The following is an entry in ClinVar:

ClinVar aggregate classification (germline): Uncertain significance. Review status: criteria provided, multiple submitters, no conflicts (2 of 4 stars). 5 submissions from 4 submitters: Uncertain significance (4). 1 of the submissions does not count toward it. Last evaluated 2025-06-07.

Conditions:
Inborn genetic diseases. Identifiers: MedGen C0950123, MeSH D030342.
Severe combined immunodeficiency, autosomal recessive, T cell-negative, B cell-negative, NK cell-positive. Also called: SCID, AR, T-cell negative, B-cell negative, NK cell-positive; SCID, T CELL-NEGATIVE, B CELL-NEGATIVE, NK CELL-POSITIVE; Severe combined immunodeficiency due to complete RAG1/2 deficiency. Identifiers: Orphanet 331206, MedGen C1832322, MONDO:0011086, OMIM 601457.
Combined immunodeficiency with skin granulomas. Identifiers: Orphanet 157949, MedGen C2673536, MONDO:0009306, OMIM 233650.
Histiocytic medullary reticulosis. Also called: SEVERE COMBINED IMMUNODEFICIENCY WITH HYPEREOSINOPHILIA; Omenn syndrome. Identifiers: Orphanet 39041, MedGen C2700553, MONDO:0011338, OMIM 603554.

Allele frequency attached by ClinVar (database versions not stated): gnomAD exomes below 0.00001; ExAC 0.00001; TOPMed 0.00002.

Submissions (5):

Ambry Genetics
Classification: Uncertain significance for Inborn genetic diseases. Last evaluated: 2025-06-07. Review status: criteria provided, single submitter. Criteria: Ambry Variant Classification Scheme 2023. Collection method: clinical testing. Allele origin: germline.

Labcorp Genetics (formerly Invitae), Labcorp
Classification: Uncertain significance for Combined immunodeficiency with skin granulomas; Severe combined immunodeficiency, autosomal recessive, T cell-negative, B cell-negative, NK cell-positive. Last evaluated: 2022-03-09. Review status: criteria provided, single submitter. Criteria: Invitae Variant Classification Sherloc (09022015). Collection method: clinical testing. Allele origin: germline.
Comment: This sequence change replaces histidine, which is basic and polar, with arginine, which is basic and polar, at codon 468 of the RAG2 protein (p.His468Arg). This variant is present in population databases (rs751064709, gnomAD 0.0009%). This variant has not been reported in the literature in individuals affected with RAG2-related conditions. ClinVar contains an entry for this variant (Variation ID: 469118). Advanced modeling of protein sequence and biophysical properties (such as structural, functional, and spatial information, amino acid conservation, physicochemical variation, residue mobility, and thermodynamic stability) performed at Invitae indicates that this missense variant is not expected to disrupt RAG2 protein function. In summary, the available evidence is currently insufficient to determine the role of this variant in disease. Therefore, it has been classified as a Variant of Uncertain Significance.

Illumina Laboratory Services, Illumina
Classification: Uncertain significance for Severe combined immunodeficiency, autosomal recessive, T cell-negative, B cell-negative, NK cell-positive. Last evaluated: 2018-01-13. Review status: criteria provided, single submitter. Criteria: ICSL Variant Classification Criteria 13 December 2019. Collection method: clinical testing. Allele origin: germline.

Illumina Laboratory Services, Illumina
Classification: Uncertain significance for Histiocytic medullary reticulosis. Last evaluated: 2018-01-13. Review status: criteria provided, single submitter. Criteria: ICSL Variant Classification Criteria 13 December 2019. Collection method: clinical testing. Allele origin: germline.

Natera, Inc.
Classification: Uncertain significance for Omenn syndrome. Last evaluated: 2020-09-16. Review status: no assertion criteria provided. Collection method: clinical testing. Allele origin: germline. Not counted in ClinVar's aggregate classification.

NM_000536.4(RAG2):c.1403A>G (p.His468Arg)

Gene: RAG2 (recombination activating 2; minus strand). Cytogenetic location: 11p12.
Variant type: single nucleotide variant.
Coding change: c.1403A>G on transcript NM_000536.4 (MANE Select); coding-DNA position 1403, A replaced by G.
Protein change: p.His468Arg; replaces histidine 468 with arginine.
Molecular consequence: missense variant.
Genome position (GRCh38, 1-based): chr11:36,592,766, T>C on the plus strand (A>G on the coding strand, the complement: RAG2 is on the minus strand). VCF-style: chr11-36592766-T-C. GRCh37 (hg19) VCF-style: chr11-36614316-T-C.
Other names: c.1403A>G, p.His468Arg (NM_001243785.2, NM_001243786.2); short protein forms H468R.
Identifiers: ClinVar variation 469118 (VCV000469118.8), dbSNP rs751064709, ClinGen allele CA5950419.